The following is an entry in ClinVar:

NM_001079872.2(CUL4B):c.461A>G (p.His154Arg)

Genes: CUL4B (cullin 4B; minus strand), LOC113845788 (Sharpr-MPRA regulatory region 11856; plus strand). Cytogenetic location: Xq24.
Variant type: single nucleotide variant.
Coding change: c.461A>G on transcript NM_001079872.2 (MANE Select); coding-DNA position 461, A replaced by G.
Protein change: p.His154Arg; replaces histidine 154 with arginine.
Molecular consequence: missense variant.
Genome position (GRCh38, 1-based): chrX:120,560,178, T>C on the plus strand (A>G on the coding strand, the complement: CUL4B is on the minus strand). VCF-style: chrX-120560178-T-C. GRCh37 (hg19) VCF-style: chrX-119694033-T-C.
Other names: c.476A>G, p.His159Arg (NM_001330624.2); c.515A>G, p.His172Arg (NM_003588.4); short protein forms H154R, H159R, H172R.
Identifiers: ClinVar variation 3373278 (VCV003373278.1).

ClinVar aggregate classification (germline): Uncertain significance (1 of 4 stars; one submission).

Submission:

GeneDx
Classification: Uncertain significance. Last evaluated: 2024-05-01. Review status: criteria provided, single submitter. Criteria: GeneDx Variant Classification Process June 2021. Collection method: clinical testing. Allele origin: germline. Affected: yes.
Comment: Not observed at significant frequency in large population cohorts (gnomAD); In silico analysis indicates that this missense variant does not alter protein structure/function; Has not been previously published as pathogenic or benign to our knowledge